The following is an entry in ClinVar:

ClinVar aggregate classification (germline): Likely benign. Review status: criteria provided, multiple submitters, no conflicts (2 of 4 stars). 2 submissions from 2 submitters: Likely benign (2). Last evaluated 2026-04-07.

Conditions:
Hereditary sensory neuropathy-deafness-dementia syndrome. Also called: NEUROPATHY, HEREDITARY SENSORY, WITH HEARING LOSS AND DEMENTIA; HSN IE; Hereditary sensory neuropathy type IE; Hereditary Sensory and Autonomic Neuropathy Type 1E (HSAN1E). Identifiers: Orphanet 456318, MedGen C3279885, MONDO:0013584, OMIM 614116.
DNMT1-related disorder. Also called: DNMT1-related condition. Identifiers: MedGen CN381527.

Allele frequency attached by ClinVar (database versions not stated): gnomAD 0.00001; ExAC 0.00002; gnomAD exomes 0.00002 and 0.00004; TOPMed 0.00003; 1000 Genomes Project 0.00020; 1000 Genomes Project 30x 0.00031.
gnomAD v4.1: 32 of 1,614,184 alleles (0.002%); highest among the groups gnomAD compares: East Asian, 0.011%; no homozygotes.

Submissions (2):

PreventionGenetics, part of Exact Sciences
Classification: Likely benign for DNMT1-related condition. Last evaluated: 2026-04-07. Review status: criteria provided, single submitter. Criteria: ACMG Guidelines, 2015. Collection method: clinical testing. Allele origin: germline.
Comment: This variant is classified as likely benign based on ACMG/AMP sequence variant interpretation guidelines (Richards et al. 2015 PMID: 25741868, with internal and published modifications).

Labcorp Genetics (formerly Invitae), Labcorp
Classification: Likely benign for Hereditary sensory neuropathy-deafness-dementia syndrome. Last evaluated: 2026-01-14. Review status: criteria provided, single submitter. Criteria: Invitae Variant Classification Sherloc (09022015). Collection method: clinical testing. Allele origin: germline.

NM_001130823.3(DNMT1):c.1608C>T (p.Ser536=)

Gene: DNMT1 (DNA methyltransferase 1; minus strand). Cytogenetic location: 19p13.2.
Variant type: single nucleotide variant.
Coding change: c.1608C>T on transcript NM_001130823.3 (MANE Select); coding-DNA position 1608, C replaced by T.
Protein change: p.Ser536=; no amino-acid change (serine 536 retained).
Molecular consequence: synonymous variant.
Genome position (GRCh38, 1-based): chr19:10,154,941, G>A on the plus strand (C>T on the coding strand, the complement: DNMT1 is on the minus strand). VCF-style: chr19-10154941-G-A. GRCh37 (hg19) VCF-style: chr19-10265617-G-A.
Other names: c.1560C>T, p.Ser520= (NM_001318730.2, NM_001379.4); c.1245C>T, p.Ser415= (NM_001318731.2); c.1608C>T (NM_001130823.2, LRG_362t1).
Identifiers: ClinVar variation 539615 (VCV000539615.11), dbSNP rs553962731, ClinGen allele CA9188270.